The following is an entry in ClinVar:

ClinVar aggregate classification (germline): Pathogenic. Review status: criteria provided, multiple submitters, no conflicts (2 of 4 stars). 8 submissions from 8 submitters: Pathogenic (8). Last evaluated 2026-05-15.

Conditions:
Familial intrahepatic cholestasis. Identifiers: Orphanet 284385, MedGen CN296401, MONDO:0017290.
ABCB4-related disorder. Also called: ABCB4-related disorders; ABCB4-related condition.
Familial intrahepatic cholestasis type 3.
Progressive familial intrahepatic cholestasis type 3. Also called: Low Gamma-GT Familial Intrahepatic Cholestasis; MDR3 DEFICIENCY. Identifiers: Orphanet 79305, MedGen C1865643, MONDO:0011214, OMIM 602347.
Cholestasis, intrahepatic, of pregnancy, 3. Identifiers: Orphanet 69665, MedGen C3554241, MONDO:0013995, OMIM 614972.
Low phospholipid associated cholelithiasis (GBD1). Also called: Gallstone cholecystitis; Gallbladder disease 1. Identifiers: Orphanet 69663, MedGen C2609268, MONDO:0010939, OMIM 600803.

Allele frequency attached by ClinVar (database versions not stated): TOPMed 0.00002.
gnomAD v4.1: 16 of 1,613,914 alleles (0.00099%); highest among the groups gnomAD compares: South Asian, 0.0099%; no homozygotes.

Submissions (8):

PreventionGenetics, part of Exact Sciences
Classification: Pathogenic for ABCB4-related condition. Last evaluated: 2026-05-15. Review status: criteria provided, single submitter. Criteria: ACMG Guidelines, 2015. Collection method: clinical testing. Allele origin: germline.
Comment: The ABCB4 c.1783C>T variant is predicted to result in premature protein termination (p.Arg595*). This variant has been reported in individuals with progressive familial intrahepatic cholestasis; in several individuals, this variant was found in the homozygous or compound heterozygous state (Davit-Spraul et al. 2010. PubMed ID: 20422496; Giovannoni et al. 2011. PubMed ID: 21514256; Table S1, Cheema et al. 2020. PubMed ID: 33083013). Loss-of-function variants upstream and downstream of this variant have also been reported as pathogenic (Davit-Spraul et al. 2010. PubMed ID: 20422496). This variant is reported in 0.0065% of alleles in individuals of South Asian descent in gnomAD. Nonsense variants in ABCB4 are expected to be pathogenic. This variant is interpreted as pathogenic.

Genomenon, Inc
Classification: Pathogenic for Familial intrahepatic cholestasis. Last evaluated: 2026-04-14. Review status: criteria provided, single submitter. Criteria: Genomenon Sequence Variant Interpretation Standards - Updated. Collection method: curation. Allele origin: germline. Affected: yes.
Comment: ABCB4 p.Arg595Ter (c.1783C>T) is a nonsense variant that introduces a premature stop codon at amino acid position 595, creating a truncated protein that is predicted to undergo nonsense-mediated mRNA decay. This variant has been observed in at least one proband with an ABCB4-related disorder (PMID:37697751;21514256). It is absent or not present at a significant frequency in gnomAD. In conclusion, we classify ABCB4 p.Arg595Ter (c.1783C>T) as a pathogenic variant.

First Genomix Gene Laboratory, Genetic Diagnostics Department
Classification: Pathogenic for Cholestasis, intrahepatic, of pregnancy, 3; Progressive familial intrahepatic cholestasis type 3; Low phospholipid associated cholelithiasis. Last evaluated: 2025-07-31. Review status: criteria provided, single submitter. Criteria: ACMG Guidelines, 2015. Collection method: clinical testing. Allele origin: germline. Inheritance: Autosomal recessive inheritance. Affected: no. Observed: 1 variant allele.

Mayo Clinic Laboratories, Mayo Clinic
Classification: Pathogenic. Last evaluated: 2025-05-16. Review status: criteria provided, single submitter. Criteria: ACMG Guidelines, 2015. Collection method: clinical testing. Allele origin: germline. Observed: 1 variant allele.
Comment: PM2_supporting, PM3, PVS1

Labcorp Genetics (formerly Invitae), Labcorp
Classification: Pathogenic. Last evaluated: 2024-03-26. Review status: criteria provided, single submitter. Criteria: Invitae Variant Classification Sherloc (09022015). Collection method: clinical testing. Allele origin: germline.
Comment: This sequence change creates a premature translational stop signal (p.Arg595*) in the ABCB4 gene. It is expected to result in an absent or disrupted protein product. Loss-of-function variants in ABCB4 are known to be pathogenic (PMID: 17726488, 25755532). This variant is present in population databases (rs148792791, gnomAD 0.007%). This premature translational stop signal has been observed in individual(s) with progressive familial intrahepatic cholestasis type 3 (PMID: 20422496, 21514256). ClinVar contains an entry for this variant (Variation ID: 973519). For these reasons, this variant has been classified as Pathogenic.

3billion
Classification: Pathogenic for Progressive familial intrahepatic cholestasis type 3. Last evaluated: 2022-03-22. Review status: criteria provided, single submitter. Criteria: ACMG Guidelines, 2015. Collection method: clinical testing. Allele origin: germline. Affected: yes. Observed: 1 homozygote.
Comment: Stop-gained (nonsense): predicted to result in a loss or disruption of normal protein function through nonsense-mediated decay (NMD) or protein truncation. Multiple pathogenic variants are reported downstream of the variant. This variant has been reported as pathogenic (ClinVar ID: VCV000973519, PMID:20422496).It is observed at an extremely low frequency in the gnomAD v2.1.1 dataset (total allele frequency: 0.0000159). Therefore, this variant is classified as pathogenic according to the recommendation of ACMG/AMP guideline.

Rolfs Rare Disease Consulting, Rolfs Consulting Und Verwaltungs GmbH
Classification: Pathogenic for Progressive familial intrahepatic cholestasis type 3. Last evaluated: 2020-01-01. Review status: criteria provided, single submitter. Criteria: ACMG Guidelines, 2015. Collection method: clinical testing. Allele origin: germline. Affected: yes.

CENTOGENE GmbH and LLC - Guiding Precision Medicine
Classification: Pathogenic for Familial intrahepatic cholestasis type 3. Review status: criteria provided, single submitter. Criteria: ACMG Guidelines, 2015. Collection method: clinical testing. Allele origin: germline. Affected: yes.

Literature cited by the submitters: PubMed 37697751 (cited by Genomenon, Inc); PubMed 21514256 (cited by 3 submitters); PubMed 20422496 (cited by 3 submitters); PubMed 33083013 (cited by Mayo Clinic Laboratories, Mayo Clinic); PubMed 35922258 (cited by Mayo Clinic Laboratories, Mayo Clinic); PubMed 37208429 (cited by Mayo Clinic Laboratories, Mayo Clinic); PubMed 40110281 (cited by Mayo Clinic Laboratories, Mayo Clinic); PubMed 17726488 (cited by Labcorp Genetics (formerly Invitae), Labcorp); PubMed 25755532 (cited by Labcorp Genetics (formerly Invitae), Labcorp).

NM_000443.4(ABCB4):c.1783C>T (p.Arg595Ter)

Gene: ABCB4 (ATP binding cassette subfamily B member 4; minus strand). Cytogenetic location: 7q21.12.
Variant type: single nucleotide variant.
Coding change: c.1783C>T on transcript NM_000443.4 (MANE Select); coding-DNA position 1783, C replaced by T.
Protein change: p.Arg595Ter; replaces arginine 595 with a stop codon.
Molecular consequence: nonsense.
Genome position (GRCh38, 1-based): chr7:87,431,514, G>A on the plus strand (C>T on the coding strand, the complement: ABCB4 is on the minus strand). VCF-style: chr7-87431514-G-A. GRCh37 (hg19) VCF-style: chr7-87060830-G-A.
Other names: p.Arg595*; c.1783C>T, p.Arg595Ter (NM_018849.3, NM_018850.3); c.1783C>T (NM_000443.3); short protein forms R595*.
Identifiers: ClinVar variation 973519 (VCV000973519.13), dbSNP rs148792791, ClinGen allele CA4327206.